The following is an entry in ClinVar:

NM_002291.3(LAMB1):c.5006C>A (p.Ala1669Glu)

Gene: LAMB1 (laminin subunit beta 1; minus strand). Cytogenetic location: 7q31.1.
Variant type: single nucleotide variant.
Coding change: c.5006C>A on transcript NM_002291.3 (MANE Select); coding-DNA position 5006, C replaced by A.
Protein change: p.Ala1669Glu; replaces alanine 1669 with glutamic acid.
Molecular consequence: missense variant.
Genome position (GRCh38, 1-based): chr7:107,926,241, G>T on the plus strand (C>A on the coding strand, the complement: LAMB1 is on the minus strand). VCF-style: chr7-107926241-G-T. GRCh37 (hg19) VCF-style: chr7-107566686-G-T.
Other names: short protein forms A1669E.
Identifiers: ClinVar variation 2405862 (VCV002405862.4), dbSNP rs376608761, ClinGen allele CA4434869.
Genomic context (GRCh38, chr7:107,926,241, plus strand): 5'-ACCTTCTTAACATCTTCTGCACTTTGCTTCACAGTATATACTACTTTTTCAATATATTCT[G>T]CCTCCCCGGAGTTTTGGGCAGCTTTCCGCTTAAGTTCTTCCACATTCCTCTCTAACTCGC-3'
Protein context (NP_002282.2, residues 1659-1679): KRKAAQNSGE[Ala1669Glu]EYIEKVVYTV

ClinVar aggregate classification (germline): Uncertain significance. Review status: criteria provided, multiple submitters, no conflicts (2 of 4 stars). 2 submissions from 2 submitters: Uncertain significance (2). Last evaluated 2024-06-26.

Conditions:
Inborn genetic diseases. Identifiers: MedGen C0950123, MeSH D030342.

Allele frequency attached by ClinVar (database versions not stated): gnomAD 0.00001; gnomAD exomes 0.00001; ExAC 0.00002; ESP Exome Variant Server 0.00008.
gnomAD v4.1: 19 of 1,613,786 alleles (0.0012%); highest among the groups gnomAD compares: Non-Finnish European, 0.0014%; no homozygotes.

Submissions (2):

Labcorp Genetics (formerly Invitae), Labcorp
Classification: Uncertain significance. Last evaluated: 2024-06-26. Review status: criteria provided, single submitter. Criteria: Invitae Variant Classification Sherloc (09022015). Collection method: clinical testing. Allele origin: germline.
Comment: This sequence change replaces alanine, which is neutral and non-polar, with glutamic acid, which is acidic and polar, at codon 1669 of the LAMB1 protein (p.Ala1669Glu). This variant is present in population databases (rs376608761, gnomAD 0.004%). This variant has not been reported in the literature in individuals affected with LAMB1-related conditions. ClinVar contains an entry for this variant (Variation ID: 2405862). An algorithm developed to predict the effect of missense changes on protein structure and function (PolyPhen-2) suggests that this variant is likely to be tolerated. In summary, the available evidence is currently insufficient to determine the role of this variant in disease. Therefore, it has been classified as a Variant of Uncertain Significance.

Ambry Genetics
Classification: Uncertain significance for Inborn genetic diseases. Last evaluated: 2022-02-09. Review status: criteria provided, single submitter. Criteria: Ambry Variant Classification Scheme 2023. Collection method: clinical testing. Allele origin: germline.